The following is an entry in ClinVar:

ClinVar aggregate classification (germline): Uncertain significance (1 of 4 stars; one submission).

Conditions:
Cardiovascular phenotype. Identifiers: MedGen CN230736.

gnomAD v4.1: 3 of 1,610,866 alleles (0.00019%); highest among the groups gnomAD compares: South Asian, 0.0033%; no homozygotes.

Submission:

Ambry Genetics
Classification: Uncertain significance for Cardiovascular phenotype. Last evaluated: 2025-09-18. Review status: criteria provided, single submitter. Criteria: Ambry Variant Classification Scheme 2023. Collection method: clinical testing. Allele origin: germline.
Comment: The p.R385K variant (also known as c.1154G>A), located in coding exon 9 of the LAMA4 gene, results from a G to A substitution at nucleotide position 1154. The arginine at codon 385 is replaced by lysine, an amino acid with highly similar properties. This amino acid position is conserved. In addition, this alteration is predicted to be tolerated by in silico analysis. Based on the available evidence, the clinical significance of this variant remains unclear.

NM_001105206.3(LAMA4):c.1175G>A (p.Arg392Lys)

Gene: LAMA4 (laminin subunit alpha 4; minus strand). Cytogenetic location: 6q21.
Variant type: single nucleotide variant.
Coding change: c.1175G>A on transcript NM_001105206.3 (MANE Select); coding-DNA position 1175, G replaced by A.
Protein change: p.Arg392Lys; replaces arginine 392 with lysine.
Molecular consequence: missense variant.
Genome position (GRCh38, 1-based): chr6:112,178,135, C>T on the plus strand (G>A on the coding strand, the complement: LAMA4 is on the minus strand). VCF-style: chr6-112178135-C-T. GRCh37 (hg19) VCF-style: chr6-112499337-C-T.
Other names: c.1154G>A, p.Arg385Lys (NM_001105207.3, NM_002290.5); short protein forms R392K, R385K.
Identifiers: ClinVar variation 4614436 (VCV004614436.1).
Genomic context (GRCh38, chr6:112,178,135, plus strand): 5'-AAGTGTTTCCTTGATATTAAACTGAACCAGAAGAGAATATATTTACCTTGGATTTTATCC[C>T]TCATATCATGGGCTTGCTCTACCAGCTGACTTGCGTGGTTAATGGTGTCCATGCTTTCCT-3'
Protein context (NP_001098676.2, residues 382-402): SQLVEQAHDM[Arg392Lys]DKIQEINNKM